The following is an entry in ClinVar:

NM_003849.4(SUCLG1):c.640A>G (p.Thr214Ala)

Gene: SUCLG1 (succinate-CoA ligase GDP/ADP-forming subunit alpha; minus strand). Cytogenetic location: 2p11.2.
Variant type: single nucleotide variant.
Coding change: c.640A>G on transcript NM_003849.4 (MANE Select); coding-DNA position 640, A replaced by G.
Protein change: p.Thr214Ala; replaces threonine 214 with alanine.
Molecular consequence: missense variant.
Genome position (GRCh38, 1-based): chr2:84,433,385, T>C on the plus strand (A>G on the coding strand, the complement: SUCLG1 is on the minus strand). VCF-style: chr2-84433385-T-C. GRCh37 (hg19) VCF-style: chr2-84660509-T-C.
Other names: c.640A>G (NM_003849.3); short protein forms T214A.
Identifiers: ClinVar variation 1357425 (VCV001357425.10), dbSNP rs35594530, ClinGen allele CA1736235.

ClinVar aggregate classification (germline): Uncertain significance. Review status: criteria provided, multiple submitters, no conflicts (2 of 4 stars). 3 submissions from 3 submitters: Uncertain significance (3). Last evaluated 2025-10-11.

Conditions:
SUCLG1-related disorder. Also called: SUCLG1-related condition.
Mitochondrial DNA depletion syndrome 9 (MTDPS9). Also called: SUCLG1-Related Mitochondrial DNA Depletion Syndrome, Encephalomyopathic Form with Methylmalonic Aciduria. Identifiers: Orphanet 17, MedGen C3151476, MONDO:0009504, OMIM 245400.
Inborn genetic diseases. Identifiers: MedGen C0950123, MeSH D030342.

Allele frequency attached by ClinVar (database versions not stated): gnomAD exomes 0.00001; ExAC 0.00002.

Submissions (3):

PreventionGenetics, part of Exact Sciences
Classification: Uncertain significance for SUCLG1-related condition. Last evaluated: 2025-10-11. Review status: criteria provided, single submitter. Criteria: ACMG Guidelines, 2015. Collection method: clinical testing. Allele origin: germline.
Comment: The SUCLG1 c.640A>G variant is predicted to result in the amino acid substitution p.Thr214Ala. To our knowledge, this variant has not been reported in the literature. This variant is reported in 0.012% of alleles in individuals of African descent in gnomAD. At this time, the clinical significance of this variant is uncertain due to the absence of conclusive functional and genetic evidence.

Ambry Genetics
Classification: Uncertain significance for Inborn genetic diseases. Last evaluated: 2025-05-18. Review status: criteria provided, single submitter. Criteria: Ambry Variant Classification Scheme 2023. Collection method: clinical testing. Allele origin: germline.

Labcorp Genetics (formerly Invitae), Labcorp
Classification: Uncertain significance for Mitochondrial DNA depletion syndrome 9. Last evaluated: 2022-08-23. Review status: criteria provided, single submitter. Criteria: Invitae Variant Classification Sherloc (09022015). Collection method: clinical testing. Allele origin: germline.
Comment: In summary, the available evidence is currently insufficient to determine the role of this variant in disease. Therefore, it has been classified as a Variant of Uncertain Significance. Algorithms developed to predict the effect of sequence changes on RNA splicing suggest that this variant may create or strengthen a splice site. Algorithms developed to predict the effect of missense changes on protein structure and function (SIFT, PolyPhen-2, Align-GVGD) all suggest that this variant is likely to be disruptive. ClinVar contains an entry for this variant (Variation ID: 1357425). This variant has not been reported in the literature in individuals affected with SUCLG1-related conditions. This variant is present in population databases (rs35594530, gnomAD 0.01%). This sequence change replaces threonine, which is neutral and polar, with alanine, which is neutral and non-polar, at codon 214 of the SUCLG1 protein (p.Thr214Ala).